The following is an entry in ClinVar:

ClinVar aggregate classification (germline): Conflicting classifications of pathogenicity. Review status: criteria provided, conflicting classifications (1 of 4 stars). 5 submissions from 5 submitters: Uncertain significance (3); Likely benign (2). Last evaluated 2025-12-16.

Conditions:
Arrhythmogenic right ventricular dysplasia 10. Also called: Arrhythmogenic Right Ventricular Dysplasia/Cardiomyopathy10; Arrhythmogenic right ventricular dysplasia/cardiomyopathy, type 10; ARRHYTHMOGENIC RIGHT VENTRICULAR DYSPLASIA, FAMILIAL, 10. Identifiers: MedGen C1857777, MONDO:0012434, OMIM 610193.
Cardiovascular phenotype. Identifiers: MedGen CN230736.
Cardiomyopathy (CMYO). Also called: Cardiomyopathies. Identifiers: Orphanet 167848, MedGen C0878544, MONDO:0004994, HP:0001638. Inheritance: Various modes of inheritance.

Allele frequency attached by ClinVar (database versions not stated): gnomAD exomes 0.00001; ExAC 0.00002; ESP Exome Variant Server 0.00008; gnomAD 0.00008 and 0.00009; TOPMed 0.00008.
gnomAD v4.1: 17 of 1,613,622 alleles (0.0011%); highest among the groups gnomAD compares: African/African-American, 0.02%; no homozygotes.

Submissions (5):

Labcorp Genetics (formerly Invitae), Labcorp
Classification: Uncertain significance for Arrhythmogenic right ventricular dysplasia 10. Last evaluated: 2025-12-16. Review status: criteria provided, single submitter. Criteria: Invitae Variant Classification Sherloc (09022015). Collection method: clinical testing. Allele origin: germline.
Comment: This sequence change falls in intron 4 of the DSG2 gene. It does not directly change the encoded amino acid sequence of the DSG2 protein. It affects a nucleotide within the consensus splice site. This variant is present in population databases (rs376556524, gnomAD 0.02%). This variant has not been reported in the literature in individuals affected with DSG2-related conditions. ClinVar contains an entry for this variant (Variation ID: 391597). Variants that disrupt the consensus splice site are a relatively common cause of aberrant splicing (PMID: 17576681, 9536098). Algorithms developed to predict the effect of sequence changes on RNA splicing suggest that this variant is not likely to affect RNA splicing. In summary, the available evidence is currently insufficient to determine the role of this variant in disease. Therefore, it has been classified as a Variant of Uncertain Significance.

Women's Health and Genetics/Laboratory Corporation of America, LabCorp
Classification: Uncertain significance. Last evaluated: 2022-09-09. Review status: criteria provided, single submitter. Criteria: LabCorp Variant Classification Summary - May 2015. Collection method: clinical testing. Allele origin: germline.
Comment: Variant summary: DSG2 c.379-3C>T alters a conserved nucleotide located close to a canonical splice site and therefore could affect mRNA splicing, leading to a significantly altered protein sequence. 3/4 computational tools predict no significant impact on normal splicing. However, these predictions have yet to be confirmed by functional studies. The variant allele was found at a frequency of 1.2e-05 in 249126 control chromosomes. The available data on variant occurrences in the general population are insufficient to allow any conclusion about variant significance. To our knowledge, no occurrence of c.379-3C>T in individuals affected with Cardiomyopathy and no experimental evidence demonstrating its impact on protein function have been reported. Three clinical diagnostic laboratories have submitted clinical-significance assessments for this variant to ClinVar after 2014 and classified as VUS (n=1) and likely benign (n=2). Based on the evidence outlined above, the variant was classified as uncertain significance.

Ambry Genetics
Classification: Uncertain significance for Cardiovascular phenotype. Last evaluated: 2022-05-25. Review status: criteria provided, single submitter. Criteria: Ambry Variant Classification Scheme 2023. Collection method: clinical testing. Allele origin: germline.
Comment: The c.379-3C>T intronic variant results from a C to T substitution 3 nucleotides upstream from coding exon 5 in the DSG2 gene. This nucleotide position is well conserved in available vertebrate species. In silico splice site analysis predicts that this alteration will not have any significant effect on splicing. Since supporting evidence is limited at this time, the clinical significance of this alteration remains unclear.

Color Diagnostics, LLC DBA Color Health
Classification: Likely benign for Cardiomyopathy. Last evaluated: 2020-04-28. Review status: criteria provided, single submitter. Criteria: ACMG Guidelines, 2015. Collection method: clinical testing. Allele origin: germline.

GeneDx
Classification: Likely benign. Last evaluated: 2016-12-12. Review status: criteria provided, single submitter. Criteria: GeneDx Variant Classification (06012015). Collection method: clinical testing. Allele origin: germline. Affected: yes.
Comment: This variant is considered likely benign or benign based on one or more of the following criteria: it is a conservative change, it occurs at a poorly conserved position in the protein, it is predicted to be benign by multiple in silico algorithms, and/or has population frequency not consistent with disease.

Literature cited by the submitters: PubMed 17576681 (cited by Labcorp Genetics (formerly Invitae), Labcorp); PubMed 9536098 (cited by Labcorp Genetics (formerly Invitae), Labcorp).

NM_001943.5(DSG2):c.379-3C>T

Gene: DSG2 (desmoglein 2; plus strand). Cytogenetic location: 18q12.1.
Variant type: single nucleotide variant.
Coding change: c.379-3C>T on transcript NM_001943.5 (MANE Select); 3 bases into the intron before coding-DNA position 379, C replaced by T.
Molecular consequence: intron variant.
Genome position (GRCh38, 1-based): chr18:31,521,096, C>T. VCF-style: chr18-31521096-C-T. GRCh37 (hg19) VCF-style: chr18-29101059-C-T.
Other names: c.379-3C>T (LRG_397t1).
Identifiers: ClinVar variation 391597 (VCV000391597.14), dbSNP rs376556524, ClinGen allele CA048566.